The following is an entry in ClinVar:

ClinVar aggregate classification (germline): Uncertain significance. Review status: criteria provided, multiple submitters, no conflicts (2 of 4 stars). 6 submissions from 6 submitters: Uncertain significance (6). Last evaluated 2025-07-29.

Conditions:
Hereditary cancer-predisposing syndrome. Also called: Hereditary Cancer Syndrome; Tumor predisposition; Neoplastic Syndromes, Hereditary; Hereditary neoplastic syndrome. Identifiers: Orphanet 140162, MedGen C0027672, MeSH D009386, MONDO:0015356.
Breast-ovarian cancer, familial, susceptibility to, 1 (BROVCA1). Also called: OVARIAN CANCER, SUSCEPTIBILITY TO; BRCA1 Hereditary Breast and Ovarian Cancer. Identifiers: Orphanet 145, MedGen C2676676, MONDO:0011450, OMIM 604370. Disease mechanism: loss of function.
Ataxia-telangiectasia syndrome (AT). Also called: ATAXIA-TELANGIECTASIA, COMPLEMENTATION GROUP A; ATAXIA-TELANGIECTASIA, FRESNO VARIANT; Ataxia-telangiectasia; Ataxia-telangiectasia, complementation group E; Cerebello-oculocutaneous telangiectasia; Immunodeficiency with ataxia telangiectasia. Identifiers: Orphanet 100, MedGen C0004135, MONDO:0008840, OMIM 208900.

Submissions (6):

Institute of Immunology and Genetics Kaiserslautern
Classification: Uncertain significance for Breast-ovarian cancer, familial, susceptibility to, 1. Last evaluated: 2025-07-29. Review status: criteria provided, single submitter. Criteria: ACMG Guidelines, 2015. Collection method: clinical testing. Allele origin: germline. Affected: yes.
Comment: ACMG Criteria: PM2_P, PP3.

Labcorp Genetics (formerly Invitae), Labcorp
Classification: Uncertain significance for Ataxia-telangiectasia syndrome. Last evaluated: 2025-07-23. Review status: criteria provided, single submitter. Criteria: Invitae Variant Classification Sherloc (09022015). Collection method: clinical testing. Allele origin: germline.
Comment: This sequence change replaces threonine, which is neutral and polar, with lysine, which is basic and polar, at codon 2921 of the ATM protein (p.Thr2921Lys). This variant is not present in population databases (gnomAD no frequency). This missense change has been observed in individual(s) with breast cancer (PMID: 31465090). ClinVar contains an entry for this variant (Variation ID: 181902). Invitae Evidence Modeling of protein sequence and biophysical properties (such as structural, functional, and spatial information, amino acid conservation, physicochemical variation, residue mobility, and thermodynamic stability) has been performed for this missense variant. However, the output from this modeling did not meet the statistical confidence thresholds required to predict the impact of this variant on ATM protein function. In summary, the available evidence is currently insufficient to determine the role of this variant in disease. Therefore, it has been classified as a Variant of Uncertain Significance.

Ambry Genetics
Classification: Uncertain significance for Hereditary cancer-predisposing syndrome. Last evaluated: 2024-01-08. Review status: criteria provided, single submitter. Criteria: Ambry Variant Classification Scheme 2023. Collection method: clinical testing. Allele origin: germline.
Comment: The p.T2921K variant (also known as c.8762C>A), located in coding exon 59 of the ATM gene, results from a C to A substitution at nucleotide position 8762. The threonine at codon 2921 is replaced by lysine, an amino acid with similar properties. This amino acid position is highly conserved in available vertebrate species. In addition, this alteration is predicted to be deleterious by in silico analysis. Since supporting evidence is limited at this time, the clinical significance of this alteration remains unclear.

GeneDx
Classification: Uncertain significance. Last evaluated: 2023-07-13. Review status: criteria provided, single submitter. Criteria: GeneDx Variant Classification Process June 2021. Collection method: clinical testing. Allele origin: germline. Affected: yes.
Comment: Not observed at significant frequency in large population cohorts (gnomAD); In silico analysis supports that this missense variant has a deleterious effect on protein structure/function; Observed in a patient with breast cancer (Stuttgen et al., 2019); This variant is associated with the following publications: (PMID: 23532176, 31465090)

Women's Health and Genetics/Laboratory Corporation of America, LabCorp
Classification: Uncertain significance. Last evaluated: 2022-11-04. Review status: criteria provided, single submitter. Criteria: LabCorp Variant Classification Summary - May 2015. Collection method: clinical testing. Allele origin: germline.
Comment: Variant summary: ATM c.8762C>A (p.Thr2921Lys) results in a non-conservative amino acid change located in the Phosphatidylinositol 3-/4-kinase, catalytic domain of the encoded protein sequence. Five of five in-silico tools predict a damaging effect of the variant on protein function. The variant was absent in 251444 control chromosomes. The available data on variant occurrences in the general population are insufficient to allow any conclusion about variant significance. c.8762C>A has been reported in the literature in individuals affected with breast cancer (Stuttgen_2019). This report does not provide unequivocal conclusions about association of the variant with Ataxia-Telangiectasia or Breast Cancer. To our knowledge, no experimental evidence demonstrating an impact on protein function has been reported. Four clinical diagnostic laboratories have submitted clinical-significance assessments for this variant to ClinVar after 2014 without evidence for independent evaluation. All laboratories classified the variant as uncertain significance. Based on the evidence outlined above, the variant was classified as uncertain significance.

Color Diagnostics, LLC DBA Color Health
Classification: Uncertain significance for Hereditary cancer-predisposing syndrome. Last evaluated: 2018-09-04. Review status: criteria provided, single submitter. Criteria: ACMG Guidelines, 2015. Collection method: clinical testing. Allele origin: germline.

Literature cited by the submitters: PubMed 31465090 (cited by Labcorp Genetics (formerly Invitae), Labcorp and Women's Health and Genetics/Laboratory Corporation of America, LabCorp).

NM_000051.4(ATM):c.8762C>A (p.Thr2921Lys)

Genes: ATM (ATM serine/threonine kinase; plus strand), C11orf65 (chromosome 11 open reading frame 65; minus strand). Cytogenetic location: 11q22.3.
Variant type: single nucleotide variant.
Coding change: c.8762C>A on transcript NM_000051.4 (MANE Select); coding-DNA position 8762, C replaced by A.
Protein change: p.Thr2921Lys; replaces threonine 2921 with lysine.
Molecular consequence: missense variant. On other transcripts: intron variant (2).
Genome position (GRCh38, 1-based): chr11:108,353,856, C>A. VCF-style: chr11-108353856-C-A. GRCh37 (hg19) VCF-style: chr11-108224583-C-A.
Other names: p.T2921K:ACG>AAG; c.8762C>A, p.Thr2921Lys (NM_001351834.2); c.640+32064G>T (NM_001330368.2); c.695-18564G>T (NM_001351110.2); short protein forms T2921K.
Identifiers: ClinVar variation 181902 (VCV000181902.22), dbSNP rs730881329, ClinGen allele CA298090.